The following is an entry in ClinVar:

NM_001012339.3(DNAJC21):c.632G>A (p.Arg211His)

Gene: DNAJC21 (DnaJ heat shock protein family (Hsp40) member C21; plus strand). Cytogenetic location: 5p13.2.
Variant type: single nucleotide variant.
Coding change: c.632G>A on transcript NM_001012339.3 (MANE Select); coding-DNA position 632, G replaced by A.
Protein change: p.Arg211His; replaces arginine 211 with histidine.
Molecular consequence: missense variant.
Genome position (GRCh38, 1-based): chr5:34,937,519, G>A. VCF-style: chr5-34937519-G-A. GRCh37 (hg19) VCF-style: chr5-34937624-G-A.
Other names: c.632G>A, p.Arg211His (NM_001348420.2, NM_194283.4); c.632G>A (NM_001012339.2, NM_194283.3); short protein forms R211H.
Identifiers: ClinVar variation 1928334 (VCV001928334.4), dbSNP rs754065136, ClinGen allele CA3228508.
Genomic context (GRCh38, chr5:34,937,519, plus strand): 5'-TTCGGGACAAAGCAAGGAAAGAGAAGAATGAGCTTGTCCGTCAGCTGGTAGCTTTCATTC[G>A]TAAAAGAGATAAAAGAGTGCAGGCGCATCGAAAACTTGTGGAAGAACAGAATGCAGAGAA-3'
Protein context (NP_001012339.2, residues 201-221): ELVRQLVAFI[Arg211His]KRDKRVQAHR

ClinVar aggregate classification (germline): Uncertain significance. Review status: criteria provided, multiple submitters, no conflicts (2 of 4 stars). 3 submissions from 3 submitters: Uncertain significance (3). Last evaluated 2025-04-03.

Conditions:
Inborn genetic diseases. Identifiers: MedGen C0950123, MeSH D030342.

Allele frequency attached by ClinVar (database versions not stated): ExAC 0.00002; gnomAD 0.00002; TOPMed 0.00005.

Submissions (3):

GeneDx
Classification: Uncertain significance. Last evaluated: 2025-04-03. Review status: criteria provided, single submitter. Criteria: GeneDx Variant Classification Process June 2021. Collection method: clinical testing. Allele origin: germline. Affected: yes.
Comment: In silico analysis supports that this missense variant has a deleterious effect on protein structure/function; Has not been previously published as pathogenic or benign to our knowledge

Ambry Genetics
Classification: Uncertain significance for Inborn genetic diseases. Last evaluated: 2024-08-04. Review status: criteria provided, single submitter. Criteria: Ambry Variant Classification Scheme 2023. Collection method: clinical testing. Allele origin: germline.

Labcorp Genetics (formerly Invitae), Labcorp
Classification: Uncertain significance. Last evaluated: 2022-04-01. Review status: criteria provided, single submitter. Criteria: Invitae Variant Classification Sherloc (09022015). Collection method: clinical testing. Allele origin: germline.
Comment: This sequence change replaces arginine, which is basic and polar, with histidine, which is basic and polar, at codon 211 of the DNAJC21 protein (p.Arg211His). This variant is present in population databases (rs754065136, gnomAD 0.009%). This variant has not been reported in the literature in individuals affected with DNAJC21-related conditions. Algorithms developed to predict the effect of missense changes on protein structure and function are either unavailable or do not agree on the potential impact of this missense change (SIFT: "Deleterious"; PolyPhen-2: "Benign"; Align-GVGD: "Class C0"). In summary, the available evidence is currently insufficient to determine the role of this variant in disease. Therefore, it has been classified as a Variant of Uncertain Significance.